The following is an entry in ClinVar:

ClinVar aggregate classification (germline): Likely benign. Review status: criteria provided, multiple submitters, no conflicts (2 of 4 stars). 3 submissions from 3 submitters: Likely benign (3). Last evaluated 2024-05-09.

Conditions:
Early-infantile DEE. Also called: Early infantile epileptic encephalopathy; Ohtahara syndrome; Early infantile epileptic encephalopathy with suppression bursts. Identifiers: Orphanet 1934, MedGen C0393706, MONDO:0800491.

Allele frequency attached by ClinVar (database versions not stated): gnomAD exomes below 0.00001 and 0.00004; ExAC 0.00001; gnomAD 0.00001; TOPMed 0.00001; 1000 Genomes Project 30x 0.00016; 1000 Genomes Project 0.00020.
gnomAD v4.1: 60 of 1,612,926 alleles (0.0037%); highest among the groups gnomAD compares: East Asian, 0.022%; no homozygotes.

Submissions (3):

Labcorp Genetics (formerly Invitae), Labcorp
Classification: Likely benign for Early-infantile DEE. Last evaluated: 2024-05-09. Review status: criteria provided, single submitter. Criteria: Invitae Variant Classification Sherloc (09022015). Collection method: clinical testing. Allele origin: germline.

CeGaT Center for Human Genetics Tuebingen
Classification: Likely benign. Last evaluated: 2023-10-01. Review status: criteria provided, single submitter. Criteria: CeGaT Center For Human Genetics Tuebingen Variant Classification Criteria Version 2. Collection method: clinical testing. Allele origin: germline. Affected: yes. Observed: 1 variant allele.
Comment: SPTAN1: BP4, BP7

GeneDx
Classification: Likely benign. Last evaluated: 2019-03-15. Review status: criteria provided, single submitter. Criteria: GeneDx Variant Classification Process June 2021. Collection method: clinical testing. Allele origin: germline. Affected: yes.

NM_001130438.3(SPTAN1):c.1329C>T (p.Thr443=)

Gene: SPTAN1 (spectrin alpha, non-erythrocytic 1; plus strand). Cytogenetic location: 9q34.11.
Variant type: single nucleotide variant.
Coding change: c.1329C>T on transcript NM_001130438.3 (MANE Select); coding-DNA position 1329, C replaced by T.
Protein change: p.Thr443=; no amino-acid change (threonine 443 retained).
Molecular consequence: synonymous variant.
Genome position (GRCh38, 1-based): chr9:128,580,927, C>T. VCF-style: chr9-128580927-C-T. GRCh37 (hg19) VCF-style: chr9-131343206-C-T.
Other names: c.1329C>T, p.Thr443= (NM_001375310.1, NM_001375311.2, NM_001375313.1 and 5 more transcripts); c.1365C>T, p.Thr455= (NM_001375312.2, NM_001375318.1).
Identifiers: ClinVar variation 1103607 (VCV001103607.36), dbSNP rs193111526, ClinGen allele CA5264371.
Genomic context (GRCh38, chr9:128,580,927, plus strand): 5'-TCGGAGGCATTGGGGCTGACCTCATCTCCCTGACCATGTCTCCTATGCCCCCAAGCTGAC[C>T]GTCCTTTCCGAGGAGAGAGCGGCGCTGCTGGAGCTGTGGGAGCTGCGCAGGCAGCAGTAC-3'
Protein context (NP_001123910.1, residues 433-453): YASDEVREKL[Thr443=]VLSEERAALL